The following is an entry in ClinVar:

NM_001386140.1(MTTP):c.1391C>A (p.Ala464Glu)

Gene: MTTP (microsomal triglyceride transfer protein; plus strand). Cytogenetic location: 4q23.
Variant type: single nucleotide variant.
Coding change: c.1391C>A on transcript NM_001386140.1 (MANE Select); coding-DNA position 1391, C replaced by A.
Protein change: p.Ala464Glu; replaces alanine 464 with glutamic acid.
Molecular consequence: missense variant.
Genome position (GRCh38, 1-based): chr4:99,606,794, C>A. VCF-style: chr4-99606794-C-A. GRCh37 (hg19) VCF-style: chr4-100527951-C-A.
Other names: c.1391C>A, p.Ala464Glu (NM_000253.4); c.1142C>A, p.Ala381Glu (NM_001300785.2); c.1391C>A (NM_000253.3); short protein forms A381E, A464E.
Identifiers: ClinVar variation 1370630 (VCV001370630.5), dbSNP rs756155398, ClinGen allele CA3022105.

ClinVar aggregate classification (germline): Uncertain significance. Review status: criteria provided, multiple submitters, no conflicts (2 of 4 stars). 2 submissions from 2 submitters: Uncertain significance (2). Last evaluated 2022-06-16.

Conditions:
Abetalipoproteinaemia (ABL). Also called: MTP DEFICIENCY; Abetalipoproteinemia; Abetalipoproteinemia neuropathy; Apolipoprotein B deficiency; Congenital betalipoprotein deficiency syndrome. Identifiers: Orphanet 14, MedGen C0000744, MONDO:0008692, OMIM 200100, HP:0008181.

Allele frequency attached by ClinVar (database versions not stated): ExAC 0.00001; gnomAD exomes 0.00001 and 0.00002; gnomAD 0.00003.
gnomAD v4.1: 25 of 1,613,762 alleles (0.0015%); highest among the groups gnomAD compares: South Asian, 0.021%; no homozygotes.

Submissions (2):

New York Genome Center
Classification: Uncertain significance for Abetalipoproteinaemia. Last evaluated: 2022-06-16. Review status: criteria provided, single submitter. Criteria: NYGC Assertion Criteria 2020. Collection method: clinical testing. Allele origin: germline. Observed: 1 heterozygote.

Labcorp Genetics (formerly Invitae), Labcorp
Classification: Uncertain significance. Last evaluated: 2021-09-24. Review status: criteria provided, single submitter. Criteria: Invitae Variant Classification Sherloc (09022015). Collection method: clinical testing. Allele origin: germline.
Comment: This sequence change replaces alanine with glutamic acid at codon 464 of the MTTP protein (p.Ala464Glu). The alanine residue is weakly conserved and there is a moderate physicochemical difference between alanine and glutamic acid. This variant is present in population databases (rs756155398, ExAC 0.006%). This variant has not been reported in the literature in individuals with MTTP-related conditions. Algorithms developed to predict the effect of missense changes on protein structure and function are either unavailable or do not agree on the potential impact of this missense change (SIFT: "Tolerated"; PolyPhen-2: "Possibly Damaging"; Align-GVGD: "Class C0"). In summary, the available evidence is currently insufficient to determine the role of this variant in disease. Therefore, it has been classified as a Variant of Uncertain Significance.